The following is an entry in ClinVar:

Conditions:
Arteriohepatic dysplasia. Also called: Alagille Syndrome. Identifiers: Orphanet 52, MedGen C0085280, MeSH D016738, MONDO:0007318.

Submission:

Gilbert/Spinner Lab, Children's Hospital of Philadelphia
No classification provided (evidence only). Condition: Alagille syndrome. Review status: no classification provided. Collection method: research. Allele origin: not applicable. Functional consequence: functionally_abnormal.
ClinVar note: "not provided" was previously submitted as the classification for the variant. However, the classification appeared to be based only on an observation of functional data so it was converted to no classification on 2025-07-30.

NM_000214.3(JAG1):c.637G>T (p.Asp213Tyr)

Gene: JAG1 (jagged canonical Notch ligand 1; minus strand). Cytogenetic location: 20p12.2.
Variant type: single nucleotide variant.
Coding change: c.637G>T on transcript NM_000214.3 (MANE Select); coding-DNA position 637, G replaced by T.
Protein change: p.Asp213Tyr; replaces aspartic acid 213 with tyrosine.
Molecular consequence: missense variant.
Genome position (GRCh38, 1-based): chr20:10,658,525, C>A on the plus strand (G>T on the coding strand, the complement: JAG1 is on the minus strand). VCF-style: chr20-10658525-C-A. GRCh37 (hg19) VCF-style: chr20-10639173-C-A.
Other names: short protein forms D213Y.
Identifiers: ClinVar variation 3573348 (VCV003573348.2).